The following is an entry in ClinVar:

NM_018979.4(WNK1):c.6167C>T (p.Ser2056Phe)

Gene: WNK1 (WNK lysine deficient protein kinase 1; plus strand). Cytogenetic location: 12p13.33.
Variant type: single nucleotide variant.
Coding change: c.6167C>T on transcript NM_018979.4 (MANE Select); coding-DNA position 6167, C replaced by T.
Protein change: p.Ser2056Phe; replaces serine 2056 with phenylalanine.
Molecular consequence: missense variant.
Genome position (GRCh38, 1-based): chr12:896,654, C>T. VCF-style: chr12-896654-C-T. GRCh37 (hg19) VCF-style: chr12-1005820-C-T.
Other names: c.6947C>T, p.Ser2316Phe (NM_001184985.2); c.5423C>T, p.Ser1808Phe (NM_014823.3); c.6923C>T, p.Ser2308Phe (NM_213655.5); short protein forms S1808F, S2056F, S2308F, S2316F.
Identifiers: ClinVar variation 999243 (VCV000999243.8), dbSNP rs72650767, ClinGen allele CA6383343.

ClinVar aggregate classification (germline): Uncertain significance (1 of 4 stars; one submission).

Conditions:
Pseudohypoaldosteronism type 2C (PHA2C). Also called: Pseudohypoaldosteronism Type IIC. Identifiers: Orphanet 757, Orphanet 88940, MedGen C1840391, MONDO:0013778, OMIM 614492.
Neuropathy, hereditary sensory and autonomic, type 2A (HSAN2A). Also called: ACROOSTEOLYSIS, GIACCAI TYPE; ACROOSTEOLYSIS, NEUROGENIC; MORVAN DISEASE; NEUROPATHY, CONGENITAL SENSORY; NEUROPATHY, HEREDITARY SENSORY RADICULAR, AUTOSOMAL RECESSIVE; NEUROPATHY, HEREDITARY SENSORY, TYPE IIA. Identifiers: Orphanet 970, MedGen C2752089, MONDO:0024309, OMIM 201300.

Allele frequency attached by ClinVar (database versions not stated): TOPMed 0.00013; gnomAD exomes 0.00001 and 0.00003; ExAC 0.00002; gnomAD 0.00007 and 0.00008; ESP Exome Variant Server 0.00008.
gnomAD v4.1: 25 of 1,609,410 alleles (0.0016%); highest among the groups gnomAD compares: African/African-American, 0.031%; no homozygotes.

Submission:

Labcorp Genetics (formerly Invitae), Labcorp
Classification: Uncertain significance for Neuropathy, hereditary sensory and autonomic, type 2A; Pseudohypoaldosteronism type 2C. Last evaluated: 2025-06-12. Review status: criteria provided, single submitter. Criteria: Invitae Variant Classification Sherloc (09022015). Collection method: clinical testing. Allele origin: germline.
Comment: This sequence change replaces serine, which is neutral and polar, with phenylalanine, which is neutral and non-polar, at codon 2308 of the WNK1 protein (p.Ser2308Phe). This variant is present in population databases (rs72650767, gnomAD 0.03%). This variant has not been reported in the literature in individuals affected with WNK1-related conditions. ClinVar contains an entry for this variant (Variation ID: 999243). Invitae Evidence Modeling of protein sequence and biophysical properties (such as structural, functional, and spatial information, amino acid conservation, physicochemical variation, residue mobility, and thermodynamic stability) indicates that this missense variant is not expected to disrupt WNK1 protein function with a negative predictive value of 95%. In summary, the available evidence is currently insufficient to determine the role of this variant in disease. Therefore, it has been classified as a Variant of Uncertain Significance.